The following is an entry in ClinVar:

ClinVar aggregate classification (germline): Uncertain significance (1 of 4 stars; one submission).

Conditions:
Mitochondrial complex II deficiency, nuclear type 1. Also called: SUCCINATE CoQ REDUCTASE DEFICIENCY. Identifiers: Orphanet 3208, MedGen C5700310, MONDO:0100294, OMIM 252011.
Pheochromocytoma/paraganglioma syndrome 5. Also called: Paragangliomas 5; SDHA-Related Hereditary Paraganglioma-Pheochromocytoma Syndrome. Identifiers: Orphanet 29072, MedGen C3279992, MONDO:0013602, OMIM 614165.

Submission:

Labcorp Genetics (formerly Invitae), Labcorp
Classification: Uncertain significance for Pheochromocytoma/paraganglioma syndrome 5; Mitochondrial complex II deficiency, nuclear type 1. Last evaluated: 2019-03-12. Review status: criteria provided, single submitter. Criteria: Invitae Variant Classification Sherloc (09022015). Collection method: clinical testing. Allele origin: germline.
Comment: This variant is not present in population databases (ExAC no frequency). In summary, the available evidence is currently insufficient to determine the role of this variant in disease. Therefore, it has been classified as a Variant of Uncertain Significance. Algorithms developed to predict the effect of sequence changes on RNA splicing suggest that this variant may disrupt the consensus splice site, but this prediction has not been confirmed by published transcriptional studies. This variant has not been reported in the literature in individuals with SDHA-related conditions. This sequence change falls in intron 11 of the SDHA gene. It does not directly change the encoded amino acid sequence of the SDHA protein.

NM_004168.4(SDHA):c.1552-10T>G

Gene: SDHA (succinate dehydrogenase complex flavoprotein subunit A; plus strand). Cytogenetic location: 5p15.33.
Variant type: single nucleotide variant.
Coding change: c.1552-10T>G on transcript NM_004168.4 (MANE Select); 10 bases into the intron before coding-DNA position 1552, T replaced by G.
Molecular consequence: intron variant.
Genome position (GRCh38, 1-based): chr5:250,982, T>G. VCF-style: chr5-250982-T-G. GRCh37 (hg19) VCF-style: chr5-251097-T-G.
Other names: c.1552-3411T>G (NM_001330758.2); c.1408-10T>G (NM_001294332.2).
Identifiers: ClinVar variation 858937 (VCV000858937.10), dbSNP rs1736784473, ClinGen allele CA916082680.
Genomic context (GRCh38, chr5:250,982, plus strand): 5'-AAAGTTAAGCAGTTCTTGGTATGGCTGCTTCTATGGATTAAAAGTTTACAAATAATATTT[T>G]GTGCCACAGTCAATGCAAAATCATGCTGCCGTGTTCCGTGTGGGAAGCGTGTTGCAAGAA-3'